The following is an entry in ClinVar:

NM_000257.4(MYH7):c.1699C>G (p.Arg567Gly)

Gene: MYH7 (myosin heavy chain 7; minus strand). Cytogenetic location: 14q11.2.
Variant type: single nucleotide variant.
Coding change: c.1699C>G on transcript NM_000257.4 (MANE Select); coding-DNA position 1699, C replaced by G.
Protein change: p.Arg567Gly; replaces arginine 567 with glycine.
Molecular consequence: missense variant.
Genome position (GRCh38, 1-based): chr14:23,427,774, G>C on the plus strand (C>G on the coding strand, the complement: MYH7 is on the minus strand). VCF-style: chr14-23427774-G-C. GRCh37 (hg19) VCF-style: chr14-23896983-G-C.
Other names: c.1699C>G, p.Arg567Gly (NM_001407004.1); short protein forms R567G.
Identifiers: ClinVar variation 3611000 (VCV003611000.2).

ClinVar aggregate classification (germline): Uncertain significance. Review status: criteria provided, multiple submitters, no conflicts (2 of 4 stars). 2 submissions from 2 submitters: Uncertain significance (2). Last evaluated 2024-02-13.

Conditions:
Hypertrophic cardiomyopathy. Also called: HYPERTROPHIC MYOCARDIOPATHY. Identifiers: Orphanet 217569, MedGen C0007194, MeSH D002312, MONDO:0005045, HP:0001639.

gnomAD v4.1: 1 of 1,614,160 alleles (0.000062%); highest among the groups gnomAD compares: Non-Finnish European, 0.000085%; no homozygotes.

Submissions (2):

Labcorp Genetics (formerly Invitae), Labcorp
Classification: Uncertain significance for Hypertrophic cardiomyopathy. Last evaluated: 2024-02-13. Review status: criteria provided, single submitter. Criteria: Invitae Variant Classification Sherloc (09022015). Collection method: clinical testing. Allele origin: germline.
Comment: This sequence change replaces arginine, which is basic and polar, with glycine, which is neutral and non-polar, at codon 567 of the MYH7 protein (p.Arg567Gly). This variant is not present in population databases (gnomAD no frequency). This variant has not been reported in the literature in individuals affected with MYH7-related conditions. Advanced modeling of protein sequence and biophysical properties (such as structural, functional, and spatial information, amino acid conservation, physicochemical variation, residue mobility, and thermodynamic stability) has been performed at Invitae for this missense variant, however the output from this modeling did not meet the statistical confidence thresholds required to predict the impact of this variant on MYH7 protein function. In summary, the available evidence is currently insufficient to determine the role of this variant in disease. Therefore, it has been classified as a Variant of Uncertain Significance.

Blueprint Genetics
Classification: Uncertain significance. Last evaluated: 2022-05-16. Review status: criteria provided, single submitter. Criteria: ACMG Guidelines, 2015. Collection method: clinical testing. Allele origin: germline.